The following is an entry in ClinVar:

NM_000217.3(KCNA1):c.321C>T (p.Asn107=)

Gene: KCNA1 (potassium voltage-gated channel subfamily A member 1; plus strand). Cytogenetic location: 12p13.32.
Variant type: single nucleotide variant.
Coding change: c.321C>T on transcript NM_000217.3 (MANE Select); coding-DNA position 321, C replaced by T.
Protein change: p.Asn107=; no amino-acid change (asparagine 107 retained).
Molecular consequence: synonymous variant.
Genome position (GRCh38, 1-based): chr12:4,911,699, C>T. VCF-style: chr12-4911699-C-T. GRCh37 (hg19) VCF-style: chr12-5020865-C-T.
Identifiers: ClinVar variation 1690926 (VCV001690926.7), dbSNP rs1025376971, ClinGen allele CA231855499.

ClinVar aggregate classification (germline): Conflicting classifications of pathogenicity. Review status: criteria provided, conflicting classifications (1 of 4 stars). 2 submissions from 2 submitters: Uncertain significance (1); Likely benign (1). Last evaluated 2025-08-04.

Conditions:
Episodic ataxia type 1 (EA1). Also called: ATAXIA, EPISODIC, WITH MYOKYMIA; Episodic ataxia/myokymia syndrome; MYOKYMIA WITH PERIODIC ATAXIA; PAROXYSMAL ATAXIA WITH NEUROMYOTONIA, HEREDITARY. Identifiers: Orphanet 37612, Orphanet 972, MedGen C1719788, MONDO:0008047, OMIM 160120.

Submissions (2):

Labcorp Genetics (formerly Invitae), Labcorp
Classification: Likely benign for Episodic ataxia type 1. Last evaluated: 2025-08-04. Review status: criteria provided, single submitter. Criteria: Invitae Variant Classification Sherloc (09022015). Collection method: clinical testing. Allele origin: germline.

Laboratorio de Genetica e Diagnostico Molecular, Hospital Israelita Albert Einstein
Classification: Uncertain significance. Last evaluated: 2020-08-14. Review status: criteria provided, single submitter. Criteria: ACMG Guidelines, 2015. Collection method: clinical testing. Allele origin: germline. Affected: yes.
Comment: ACMG classification criteria: PM2, BP7